The following is an entry in ClinVar:

ClinVar aggregate classification (germline): Uncertain significance. Review status: criteria provided, multiple submitters, no conflicts (2 of 4 stars). 2 submissions from 2 submitters: Uncertain significance (2). Last evaluated 2024-04-18.

Conditions:
RYR1-related disorder. Also called: RYR1-related disorders; RYR1-related condition. Identifiers: MedGen CN239331.
Malignant hyperthermia, susceptibility to, 1 (MHS1). Also called: Anesthesia related hyperthermia; Malignant hyperpyrexia; Fulminating hyperpyrexia; Pharmacogenic myopathy; RYR1-Related Malignant Hyperthermia Susceptibility; Malignant hyperthermia suceptibility 1. Identifiers: Orphanet 423, MedGen C2930980, MONDO:0007783, OMIM 145600.

Allele frequency attached by ClinVar (database versions not stated): gnomAD 0.00001; TOPMed 0.00002.
gnomAD v4.1: 14 of 1,614,024 alleles (0.00087%); highest among the groups gnomAD compares: Non-Finnish European, 0.0012%; no homozygotes.

Submissions (2):

Color Diagnostics, LLC DBA Color Health
Classification: Uncertain significance for Malignant hyperthermia, susceptibility to, 1. Last evaluated: 2024-04-18. Review status: criteria provided, single submitter. Criteria: ACMG Guidelines, 2015. Collection method: clinical testing. Allele origin: germline.
Comment: This missense variant replaces leucine with phenylalanine at codon 4614 of the RYR1 protein. Computational prediction suggests that this variant may not impact protein structure and function. To our knowledge, functional studies have not been reported for this variant. This variant has not been reported in individuals affected with RYR1-related disorders in the literature. This variant has been identified in 10/282822 chromosomes in the general population by the Genome Aggregation Database (gnomAD). The available evidence is insufficient to determine the role of this variant in disease conclusively. Therefore, this variant is classified as a Variant of Uncertain Significance.

Labcorp Genetics (formerly Invitae), Labcorp
Classification: Uncertain significance for RYR1-related disorder. Last evaluated: 2022-09-19. Review status: criteria provided, single submitter. Criteria: Invitae Variant Classification Sherloc (09022015). Collection method: clinical testing. Allele origin: germline.
Comment: This sequence change replaces leucine, which is neutral and non-polar, with phenylalanine, which is neutral and non-polar, at codon 4614 of the RYR1 protein (p.Leu4614Phe). This variant is present in population databases (rs775940719, gnomAD 0.008%). This variant has not been reported in the literature in individuals affected with RYR1-related conditions. ClinVar contains an entry for this variant (Variation ID: 1409141). Advanced modeling of protein sequence and biophysical properties (such as structural, functional, and spatial information, amino acid conservation, physicochemical variation, residue mobility, and thermodynamic stability) performed at Invitae indicates that this missense variant is not expected to disrupt RYR1 protein function. In summary, the available evidence is currently insufficient to determine the role of this variant in disease. Therefore, it has been classified as a Variant of Uncertain Significance.

NM_000540.3(RYR1):c.13842G>T (p.Leu4614Phe)

Gene: RYR1 (ryanodine receptor 1; plus strand). Cytogenetic location: 19q13.2.
Variant type: single nucleotide variant.
Coding change: c.13842G>T on transcript NM_000540.3 (MANE Select); coding-DNA position 13842, G replaced by T.
Protein change: p.Leu4614Phe; replaces leucine 4614 with phenylalanine.
Molecular consequence: missense variant.
Genome position (GRCh38, 1-based): chr19:38,572,114, G>T. VCF-style: chr19-38572114-G-T. GRCh37 (hg19) VCF-style: chr19-39062754-G-T.
Other names: c.13827G>T, p.Leu4609Phe (NM_001042723.2); short protein forms L4609F, L4614F.
Identifiers: ClinVar variation 1409141 (VCV001409141.4), dbSNP rs775940719, ClinGen allele CA060587.